The following is an entry in ClinVar:

ClinVar aggregate classification (germline): Uncertain significance. Review status: criteria provided, multiple submitters, no conflicts (2 of 4 stars). 2 submissions from 2 submitters: Uncertain significance (2). Last evaluated 2021-09-23.

Conditions:
Retinitis pigmentosa 71 (RP71). Identifiers: Orphanet 791, MedGen C4225342, MONDO:0014618, OMIM 616394.
Short-rib thoracic dysplasia 10 with or without polydactyly (SRTD10). Identifiers: Orphanet 474, MedGen C3810175, MONDO:0014284, OMIM 615630.

Allele frequency attached by ClinVar (database versions not stated): TOPMed below 0.00001.
gnomAD v4.1: 1 of 1,614,118 alleles (0.000062%); highest among the groups gnomAD compares: Non-Finnish European, 0.000085%; no homozygotes.

Submissions (2):

Blueprint Genetics
Classification: Uncertain significance. Last evaluated: 2021-09-23. Review status: criteria provided, single submitter. Criteria: ACMG Guidelines, 2015. Collection method: clinical testing. Allele origin: germline.

Labcorp Genetics (formerly Invitae), Labcorp
Classification: Uncertain significance for Retinitis pigmentosa 71; Short-rib thoracic dysplasia 10 with or without polydactyly. Last evaluated: 2021-09-01. Review status: criteria provided, single submitter. Criteria: Invitae Variant Classification Sherloc (09022015). Collection method: clinical testing. Allele origin: germline.
Comment: This sequence change replaces glutamine with glutamic acid at codon 669 of the IFT172 protein (p.Gln669Glu). The glutamine residue is moderately conserved and there is a small physicochemical difference between glutamine and glutamic acid. This variant is not present in population databases (ExAC no frequency). This variant has not been reported in the literature in individuals affected with IFT172-related conditions. Algorithms developed to predict the effect of missense changes on protein structure and function (SIFT, PolyPhen-2, Align-GVGD) all suggest that this variant is likely to be tolerated. In summary, the available evidence is currently insufficient to determine the role of this variant in disease. Therefore, it has been classified as a Variant of Uncertain Significance.

NM_015662.3(IFT172):c.2005C>G (p.Gln669Glu)

Gene: IFT172 (intraflagellar transport 172; minus strand). Cytogenetic location: 2p23.3.
Variant type: single nucleotide variant.
Coding change: c.2005C>G on transcript NM_015662.3 (MANE Select); coding-DNA position 2005, C replaced by G.
Protein change: p.Gln669Glu; replaces glutamine 669 with glutamic acid.
Molecular consequence: missense variant.
Genome position (GRCh38, 1-based): chr2:27,463,114, G>C on the plus strand (C>G on the coding strand, the complement: IFT172 is on the minus strand). VCF-style: chr2-27463114-G-C. GRCh37 (hg19) VCF-style: chr2-27685981-G-C.
Other names: short protein forms Q669E.
Identifiers: ClinVar variation 1060293 (VCV001060293.7), dbSNP rs1666808431, ClinGen allele CA346385262.